The following is an entry in ClinVar:

NM_017617.5(NOTCH1):c.7536G>A (p.Pro2512=)

Gene: NOTCH1 (notch receptor 1; minus strand). Cytogenetic location: 9q34.3.
Variant type: single nucleotide variant.
Coding change: c.7536G>A on transcript NM_017617.5 (MANE Select); coding-DNA position 7536, G replaced by A.
Protein change: p.Pro2512=; no amino-acid change (proline 2512 retained).
Molecular consequence: synonymous variant.
Genome position (GRCh38, 1-based): chr9:136,496,203, C>T on the plus strand (G>A on the coding strand, the complement: NOTCH1 is on the minus strand). VCF-style: chr9-136496203-C-T. GRCh37 (hg19) VCF-style: chr9-139390655-C-T.
Other names: c.7536G>A (NM_017617.4); c.7536G>A, p.Pro2512= (LRG_1122t1).
Identifiers: ClinVar variation 477972 (VCV000477972.22), dbSNP rs192299793, ClinGen allele CA5339660.

ClinVar aggregate classification (germline): Benign/Likely benign. Review status: criteria provided, multiple submitters, no conflicts (2 of 4 stars). 8 submissions from 7 submitters: Benign (4); Likely benign (4). Last evaluated 2026-06-26.

Conditions:
NOTCH1-related disorder. Also called: NOTCH1-related condition; NOTCH1-related disorders.
Adams-Oliver syndrome 5 (AOS5). Identifiers: Orphanet 974, MedGen C4014970, MONDO:0014459, OMIM 616028.
Familial thoracic aortic aneurysm and aortic dissection (TAAD). Also called: Thoracic aortic aneurysms and dissections. Identifiers: Orphanet 91387, MedGen C4707243, MONDO:0019625.
Aortic valve disease 1 (AOVD1). Identifiers: MedGen C3887892, MONDO:0024523, OMIM 109730.

Allele frequency attached by ClinVar (database versions not stated): 1000 Genomes Project 0.00060; 1000 Genomes Project 30x 0.00062; gnomAD 0.00062 and 0.00064; ESP Exome Variant Server 0.00072; gnomAD exomes 0.00009 and 0.00022; ExAC 0.00024; TOPMed 0.00059.
gnomAD v4.1: 230 of 1,609,428 alleles (0.014%); highest among the groups gnomAD compares: African/African-American, 0.22%; no homozygotes.

Submissions (8):

Women's Health and Genetics/Laboratory Corporation of America, LabCorp
Classification: Benign. Last evaluated: 2026-06-26. Review status: criteria provided, single submitter. Criteria: LabCorp Variant Classification Summary - May 2015. Collection method: clinical testing. Allele origin: germline.

Labcorp Genetics (formerly Invitae), Labcorp
Classification: Benign for Adams-Oliver syndrome 5. Last evaluated: 2026-01-31. Review status: criteria provided, single submitter. Criteria: Invitae Variant Classification Sherloc (09022015). Collection method: clinical testing. Allele origin: germline.

PreventionGenetics, part of Exact Sciences
Classification: Likely benign for NOTCH1-related condition. Last evaluated: 2025-07-30. Review status: criteria provided, single submitter. Criteria: ACMG Guidelines, 2015. Collection method: clinical testing. Allele origin: germline.
Comment: This variant is classified as likely benign based on ACMG/AMP sequence variant interpretation guidelines (Richards et al. 2015 PMID: 25741868, with internal and published modifications).

Blueprint Genetics
Classification: Likely benign. Last evaluated: 2024-10-23. Review status: criteria provided, single submitter. Criteria: ACMG Guidelines, 2015. Collection method: clinical testing. Allele origin: germline.

Genome-Nilou Lab
Classification: Benign for Adams-Oliver syndrome 5. Last evaluated: 2022-03-15. Review status: criteria provided, single submitter. Criteria: ACMG Guidelines, 2015. Collection method: clinical testing. Allele origin: germline. Affected: no.

Genome-Nilou Lab
Classification: Benign for Aortic valve disease 1. Last evaluated: 2022-03-15. Review status: criteria provided, single submitter. Criteria: ACMG Guidelines, 2015. Collection method: clinical testing. Allele origin: germline. Affected: no.

GeneDx
Classification: Likely benign. Last evaluated: 2021-09-20. Review status: criteria provided, single submitter. Criteria: GeneDx Variant Classification Process June 2021. Collection method: clinical testing. Allele origin: germline. Affected: yes.

Ambry Genetics
Classification: Likely benign for Familial thoracic aortic aneurysm and aortic dissection. Last evaluated: 2016-03-17. Review status: criteria provided, single submitter. Criteria: Ambry Variant Classification Scheme 2023. Collection method: clinical testing. Allele origin: germline.

Literature cited by the submitters: PubMed 24943832 (cited by Women's Health and Genetics/Laboratory Corporation of America, LabCorp); PubMed 16614245 (cited by Women's Health and Genetics/Laboratory Corporation of America, LabCorp); PubMed 21670202 (cited by Women's Health and Genetics/Laboratory Corporation of America, LabCorp); PubMed 22210878 (cited by Women's Health and Genetics/Laboratory Corporation of America, LabCorp); PubMed 19635999 (cited by Women's Health and Genetics/Laboratory Corporation of America, LabCorp); PubMed 26837699 (cited by Women's Health and Genetics/Laboratory Corporation of America, LabCorp); PubMed 23086750 (cited by Women's Health and Genetics/Laboratory Corporation of America, LabCorp); PubMed 19245433 (cited by Women's Health and Genetics/Laboratory Corporation of America, LabCorp); PubMed 22077063 (cited by Women's Health and Genetics/Laboratory Corporation of America, LabCorp); PubMed 15472075 (cited by Women's Health and Genetics/Laboratory Corporation of America, LabCorp); PubMed 23734977 (cited by Women's Health and Genetics/Laboratory Corporation of America, LabCorp); PubMed 22858860 (cited by Women's Health and Genetics/Laboratory Corporation of America, LabCorp).